The following is an entry in ClinVar:

NM_017950.4(CCDC40):c.3109C>G (p.Leu1037Val)

Gene: CCDC40 (coiled-coil domain 40 molecular ruler complex subunit; plus strand). Cytogenetic location: 17q25.3.
Variant type: single nucleotide variant.
Coding change: c.3109C>G on transcript NM_017950.4 (MANE Select); coding-DNA position 3109, C replaced by G.
Protein change: p.Leu1037Val; replaces leucine 1037 with valine.
Molecular consequence: missense variant.
Genome position (GRCh38, 1-based): chr17:80,097,332, C>G. VCF-style: chr17-80097332-C-G. GRCh37 (hg19) VCF-style: chr17-78071131-C-G.
Other names: short protein forms L1037V.
Identifiers: ClinVar variation 260971 (VCV000260971.10), dbSNP rs886038640, ClinGen allele CA10587286.

ClinVar aggregate classification (germline): Conflicting classifications of pathogenicity. Review status: criteria provided, conflicting classifications (1 of 4 stars). 2 submissions from 2 submitters: Uncertain significance (1); Likely benign (1). Last evaluated 2017-12-27.

Conditions:
Primary ciliary dyskinesia. Also called: Ciliary dyskinesia. Identifiers: Orphanet 244, MedGen C0008780, MONDO:0016575, HP:0012265.

Submissions (2):

Labcorp Genetics (formerly Invitae), Labcorp
Classification: Uncertain significance for Primary ciliary dyskinesia. Last evaluated: 2017-12-27. Review status: criteria provided, single submitter. Criteria: Invitae Variant Classification Sherloc (09022015). Collection method: clinical testing. Allele origin: germline.
Comment: Algorithms developed to predict the effect of sequence changes on RNA splicing suggest that this variant may create or strengthen a splice site, but this prediction has not been confirmed by published transcriptional studies. In summary, the available evidence is currently insufficient to determine the role of this variant in disease. Therefore, it has been classified as a Variant of Uncertain Significance. Algorithms developed to predict the effect of missense changes on protein structure and function do not agree on the potential impact of this missense change (SIFT: "Deleterious"; PolyPhen-2: "Benign"; Align-GVGD: "Class C0"). This sequence change replaces leucine with valine at codon 1037 of the CCDC40 protein (p.Leu1037Val). The leucine residue is moderately conserved and there is a small physicochemical difference between leucine and valine. This variant is not present in population databases (ExAC no frequency). This variant has not been reported in the literature in individuals with CCDC40-related disease. ClinVar contains an entry for this variant (Variation ID: 260971).

PreventionGenetics, part of Exact Sciences
Classification: Likely benign. Review status: criteria provided, single submitter. Criteria: ACMG Guidelines, 2015. Collection method: clinical testing. Allele origin: germline.